The following is an entry in ClinVar:

ClinVar aggregate classification (germline): Uncertain significance (1 of 4 stars; one submission).

Conditions:
Familial focal epilepsy with variable foci (FPEVF). Identifiers: Orphanet 98820, MedGen C1858477, MONDO:0020310.

Allele frequency attached by ClinVar (database versions not stated): gnomAD exomes 0.00001; ExAC 0.00002.
gnomAD v4.1: 3 of 1,612,802 alleles (0.00019%); highest among the groups gnomAD compares: Non-Finnish European, 0.00025%; no homozygotes.

Submission:

Labcorp Genetics (formerly Invitae), Labcorp
Classification: Uncertain significance for Familial focal epilepsy with variable foci. Last evaluated: 2024-12-09. Review status: criteria provided, single submitter. Criteria: Invitae Variant Classification Sherloc (09022015). Collection method: clinical testing. Allele origin: germline.
Comment: This sequence change replaces arginine, which is basic and polar, with glutamine, which is neutral and polar, at codon 1007 of the DEPDC5 protein (p.Arg1007Gln). This variant is present in population databases (rs758260908, gnomAD 0.002%). This variant has not been reported in the literature in individuals affected with DEPDC5-related conditions. ClinVar contains an entry for this variant (Variation ID: 1391080). Experimental studies and prediction algorithms are not available or were not evaluated, and the functional significance of this variant is currently unknown. In summary, the available evidence is currently insufficient to determine the role of this variant in disease. Therefore, it has been classified as a Variant of Uncertain Significance.

NM_001242896.3(DEPDC5):c.3020G>A (p.Arg1007Gln)

Gene: DEPDC5 (DEP domain containing 5, GATOR1 subcomplex subunit; plus strand). Cytogenetic location: 22q12.3.
Variant type: single nucleotide variant.
Coding change: c.3020G>A on transcript NM_001242896.3 (MANE Select); coding-DNA position 3020, G replaced by A.
Protein change: p.Arg1007Gln; replaces arginine 1007 with glutamine.
Molecular consequence: missense variant. On other transcripts: non-coding transcript variant (5).
Genome position (GRCh38, 1-based): chr22:31,845,236, G>A. VCF-style: chr22-31845236-G-A. GRCh37 (hg19) VCF-style: chr22-32241222-G-A.
Other names: c.2993G>A, p.Arg998Gln (NM_001136029.4, NM_001369903.1, NM_014662.6); c.2786G>A, p.Arg929Gln (NM_001242897.2, NM_001363854.2, NM_001364319.2); c.3020G>A, p.Arg1007Gln (NM_001363852.2, NM_001364318.2, NM_001364320.2); c.2936G>A, p.Arg979Gln (NM_001369901.1, NM_001369902.1); short protein forms R929Q, R1007Q, R979Q, R998Q.
Identifiers: ClinVar variation 1391080 (VCV001391080.6), dbSNP rs758260908, ClinGen allele CA10196847.